The following is an entry in ClinVar:

NM_000540.3(RYR1):c.892C>T (p.Leu298=)

Gene: RYR1 (ryanodine receptor 1; plus strand). Cytogenetic location: 19q13.2.
Variant type: single nucleotide variant.
Coding change: c.892C>T on transcript NM_000540.3 (MANE Select); coding-DNA position 892, C replaced by T.
Protein change: p.Leu298=; no amino-acid change (leucine 298 retained).
Molecular consequence: synonymous variant.
Genome position (GRCh38, 1-based): chr19:38,448,446, C>T. VCF-style: chr19-38448446-C-T. GRCh37 (hg19) VCF-style: chr19-38939086-C-T.
Other names: c.892C>T, p.Leu298= (NM_001042723.2).
Identifiers: ClinVar variation 3069430 (VCV003069430.2), dbSNP rs1478820145, ClinGen allele CA507352441.

ClinVar aggregate classification (germline): Likely benign. Review status: criteria provided, multiple submitters, no conflicts (2 of 4 stars). 2 submissions from 2 submitters: Likely benign (2). Last evaluated 2023-04-10.

Conditions:
Malignant hyperthermia, susceptibility to, 1 (MHS1). Also called: RYR1-Related Malignant Hyperthermia Susceptibility; Anesthesia related hyperthermia; Malignant hyperpyrexia; Fulminating hyperpyrexia; Pharmacogenic myopathy; Malignant hyperthermia suceptibility 1. Identifiers: Orphanet 423, MedGen C2930980, MONDO:0007783, OMIM 145600.

Allele frequency attached by ClinVar (database versions not stated): gnomAD exomes below 0.00001; gnomAD 0.00001; TOPMed 0.00001.
gnomAD v4.1: 3 of 1,613,812 alleles (0.00019%); highest among the groups gnomAD compares: Non-Finnish European, 0.00025%; no homozygotes.

Submissions (2):

All of Us Research Program, National Institutes of Health
Classification: Likely benign for Malignant hyperthermia, susceptibility to, 1. Last evaluated: 2023-04-10. Review status: criteria provided, single submitter. Criteria: ACMG Guidelines, 2015. Collection method: clinical testing. Allele origin: germline. Inheritance: Autosomal dominant inheritance. Observed: 2 variant alleles, 2 heterozygotes.
Comment: This study involves interpretation of variants in research participants for the purpose of population health screening. Participant phenotype was not available at the time of variant classification. Additional details can be found in publication PMID: 35346344, PMCID: PMC8962531

Color Diagnostics, LLC DBA Color Health
Classification: Likely benign for Malignant hyperthermia, susceptibility to, 1. Last evaluated: 2023-01-03. Review status: criteria provided, single submitter. Criteria: ACMG Guidelines, 2015. Collection method: clinical testing. Allele origin: germline.